The following is an entry in ClinVar:

NM_000152.5(GAA):c.816C>G (p.Ser272Arg)

Gene: GAA (alpha glucosidase; plus strand). Cytogenetic location: 17q25.3.
Variant type: single nucleotide variant.
Coding change: c.816C>G on transcript NM_000152.5 (MANE Select); coding-DNA position 816, C replaced by G.
Protein change: p.Ser272Arg; replaces serine 272 with arginine.
Molecular consequence: missense variant.
Genome position (GRCh38, 1-based): chr17:80,107,680, C>G. VCF-style: chr17-80107680-C-G. GRCh37 (hg19) VCF-style: chr17-78081479-C-G.
Other names: c.816C>G, p.Ser272Arg (NM_001079803.3, NM_001079804.3, NM_001406741.1 and 1 more transcripts); short protein forms S272R.
Identifiers: ClinVar variation 2078644 (VCV002078644.4), dbSNP rs1405999158, ClinGen allele CA401363558.

ClinVar aggregate classification (germline): Uncertain significance (1 of 4 stars; one submission).

Conditions:
Glycogen storage disease, type II (IOPD). Also called: CARDIOMEGALIA GLYCOGENICA DIFFUSA; POMPE DISEASE, INFANTILE-ONSET; GLYCOGEN STORAGE DISEASE II, INFANTILE-ONSET; ACID ALPHA-GLUCOSIDASE DEFICIENCY, INFANTILE-ONSET; GAA DEFICIENCY, INFANTILE-ONSET; ACID MALTASE DEFICIENCY, INFANTILE-ONSET. Identifiers: Orphanet 365, MedGen C0017921, MONDO:0009290, OMIM 232300.

Allele frequency attached by ClinVar (database versions not stated): gnomAD exomes below 0.00001.
gnomAD v4.1: 1 of 1,612,996 alleles (0.000062%); highest among the groups gnomAD compares: Admixed American, 0.0017%; no homozygotes.

Submission:

Labcorp Genetics (formerly Invitae), Labcorp
Classification: Uncertain significance for Glycogen storage disease, type II. Last evaluated: 2024-12-02. Review status: criteria provided, single submitter. Criteria: Invitae Variant Classification Sherloc (09022015). Collection method: clinical testing. Allele origin: germline.
Comment: This sequence change replaces serine, which is neutral and polar, with arginine, which is basic and polar, at codon 272 of the GAA protein (p.Ser272Arg). This variant is present in population databases (no rsID available, gnomAD 0.003%). This variant has not been reported in the literature in individuals affected with GAA-related conditions. ClinVar contains an entry for this variant (Variation ID: 2078644). Invitae Evidence Modeling of protein sequence and biophysical properties (such as structural, functional, and spatial information, amino acid conservation, physicochemical variation, residue mobility, and thermodynamic stability) indicates that this missense variant is not expected to disrupt GAA protein function with a negative predictive value of 95%. In summary, the available evidence is currently insufficient to determine the role of this variant in disease. Therefore, it has been classified as a Variant of Uncertain Significance.